The following is an entry in ClinVar:

ClinVar aggregate classification (somatic clinical impact): Tier I - Strong (1 of 4 stars; one submission).

Conditions:
Clear cell meningioma. Identifiers: MedGen C0431121, MONDO:0002918.

Submission:

Institute for Genomic Medicine (IGM) Clinical Laboratory, Nationwide Children's Hospital
Classification: Tier I - Strong for Clear cell meningioma. Assertion type: diagnostic. Clinical significance: supports diagnosis. Last evaluated: 2023-10-19. Review status: criteria provided, single submitter. Criteria: AMP/ASCO/CAP Guidelines, 2017. Collection method: clinical testing. Allele origin: somatic. Affected: yes.
Comment: Variant has Tier I (strong) clinical significance as a diagnostic inclusion criterion in clear cell meningioma, based on the following evidence: 1) Diagnostic for a specific tumor type/classification according to professional guidelines (Evidence Level A).

NM_003079.5(SMARCE1):c.883C>T (p.Gln295Ter)

Gene: SMARCE1 (SWI/SNF related BAF chromatin remodeling complex subunit E1; minus strand). Cytogenetic location: 17q21.2.
Variant type: single nucleotide variant.
Coding change: c.883C>T on transcript NM_003079.5 (MANE Select); coding-DNA position 883, C replaced by T.
Protein change: p.Gln295Ter; replaces glutamine 295 with a stop codon.
Molecular consequence: nonsense.
Genome position (GRCh38, 1-based): chr17:40,630,858, G>A on the plus strand (C>T on the coding strand, the complement: SMARCE1 is on the minus strand). VCF-style: chr17-40630858-G-A. GRCh37 (hg19) VCF-style: chr17-38787110-G-A.
Other names: short protein forms Q295*.
Identifiers: ClinVar variation 4530292 (VCV004530292.1).
Genomic context (GRCh38, chr17:40,630,858, plus strand): 5'-GACTGCGCTCAGCTTGCTCTGCGGCCTCCTTCTCCCTTTCCTCCTGCCTTTTGCGGGCCT[G>A]TTCCTCTGCCTGTGCAATCTCAGCTGCAATTTTCTCCATATCCACTTCTACTTTCAGACC-3'